The following is an entry in ClinVar:

ClinVar aggregate classification (germline): Uncertain significance (1 of 4 stars; one submission).

Conditions:
Acute myeloid leukemia (AML). Also called: Acute myeloid leukemia, adult; AML adult; Acute non-lymphocytic leukemia; Acute granulocytic leukemia; Leukemia, acute myeloid, somatic; Leukemia, acute myelogenous, somatic. Identifiers: Orphanet 519, MedGen C0023467, MeSH D015470, MONDO:0018874, OMIM 601626, HP:0004808. Disease mechanism: Constitutively activated FLT3.

Allele frequency attached by ClinVar (database versions not stated): gnomAD exomes 0.00001.

Submission:

Labcorp Genetics (formerly Invitae), Labcorp
Classification: Uncertain significance for Acute myeloid leukemia. Last evaluated: 2023-11-20. Review status: criteria provided, single submitter. Criteria: Invitae Variant Classification Sherloc (09022015). Collection method: clinical testing. Allele origin: germline.
Comment: This sequence change replaces proline, which is neutral and non-polar, with serine, which is neutral and polar, at codon 261 of the CEBPA protein (p.Pro261Ser). This variant is present in population databases (no rsID available, gnomAD 0.004%). This variant has not been reported in the literature in individuals affected with CEBPA-related conditions. ClinVar contains an entry for this variant (Variation ID: 854829). An algorithm developed to predict the effect of missense changes on protein structure and function (PolyPhen-2) suggests that this variant is likely to be disruptive. In summary, the available evidence is currently insufficient to determine the role of this variant in disease. Therefore, it has been classified as a Variant of Uncertain Significance.

NM_004364.5(CEBPA):c.781C>T (p.Pro261Ser)

Gene: CEBPA (CCAAT enhancer binding protein alpha; minus strand). Cytogenetic location: 19q13.11.
Variant type: single nucleotide variant.
Coding change: c.781C>T on transcript NM_004364.5 (MANE Select); coding-DNA position 781, C replaced by T.
Protein change: p.Pro261Ser; replaces proline 261 with serine.
Molecular consequence: missense variant.
Genome position (GRCh38, 1-based): chr19:33,301,634, G>A on the plus strand (C>T on the coding strand, the complement: CEBPA is on the minus strand). VCF-style: chr19-33301634-G-A. GRCh37 (hg19) VCF-style: chr19-33792540-G-A.
Other names: c.424C>T, p.Pro142Ser (NM_001285829.2); c.886C>T, p.Pro296Ser (NM_001287424.2); c.739C>T, p.Pro247Ser (NM_001287435.2); short protein forms P261S, P296S, P247S, P142S.
Identifiers: ClinVar variation 854829 (VCV000854829.10), dbSNP rs1263173603, ClinGen allele CA405274226.